The following is an entry in ClinVar:

ClinVar aggregate classification (germline): Uncertain significance (1 of 4 stars; one submission).

Allele frequency attached by ClinVar (database versions not stated): ExAC 0.00001; gnomAD exomes 0.00001; gnomAD 0.00003; TOPMed 0.00004.
gnomAD v4.1: 21 of 1,614,018 alleles (0.0013%); highest among the groups gnomAD compares: East Asian, 0.0067%; no homozygotes.

Submission:

Labcorp Genetics (formerly Invitae), Labcorp
Classification: Uncertain significance. Last evaluated: 2023-12-11. Review status: criteria provided, single submitter. Criteria: Invitae Variant Classification Sherloc (09022015). Collection method: clinical testing. Allele origin: germline.
Comment: This sequence change replaces valine, which is neutral and non-polar, with methionine, which is neutral and non-polar, at codon 127 of the TRPV3 protein (p.Val127Met). This variant is present in population databases (rs759681731, gnomAD 0.006%). This variant has not been reported in the literature in individuals affected with TRPV3-related conditions. ClinVar contains an entry for this variant (Variation ID: 1442685). An algorithm developed to predict the effect of missense changes on protein structure and function (PolyPhen-2) suggests that this variant is likely to be disruptive. In summary, the available evidence is currently insufficient to determine the role of this variant in disease. Therefore, it has been classified as a Variant of Uncertain Significance.

NM_145068.4(TRPV3):c.379G>A (p.Val127Met)

Gene: TRPV3 (transient receptor potential cation channel subfamily V member 3; minus strand). Cytogenetic location: 17p13.2.
Variant type: single nucleotide variant.
Coding change: c.379G>A on transcript NM_145068.4 (MANE Select); coding-DNA position 379, G replaced by A.
Protein change: p.Val127Met; replaces valine 127 with methionine.
Molecular consequence: missense variant.
Genome position (GRCh38, 1-based): chr17:3,543,561, C>T on the plus strand (G>A on the coding strand, the complement: TRPV3 is on the minus strand). VCF-style: chr17-3543561-C-T. GRCh37 (hg19) VCF-style: chr17-3446855-C-T.
Other names: c.379G>A, p.Val127Met (NM_001258205.2); short protein forms V127M.
Identifiers: ClinVar variation 1442685 (VCV001442685.7), dbSNP rs759681731, ClinGen allele CA8289870.